The following is an entry in ClinVar:

ClinVar aggregate classification (germline): Uncertain significance (1 of 4 stars; one submission).

gnomAD v4.1: 1 of 1,613,940 alleles (0.000062%); highest among the groups gnomAD compares: Non-Finnish European, 0.000085%; no homozygotes.

Submission:

GeneDx
Classification: Uncertain significance. Last evaluated: 2025-05-25. Review status: criteria provided, single submitter. Criteria: GeneDx Variant Classification Process June 2021. Collection method: clinical testing. Allele origin: germline. Affected: yes.
Comment: Not observed at significant frequency in large population cohorts (gnomAD); In silico analysis supports that this missense variant has a deleterious effect on protein structure/function; Has not been previously published as pathogenic or benign to our knowledge

NM_001256715.2(DNAAF3):c.1087C>A (p.Pro363Thr)

Genes: DNAAF3 (dynein axonemal assembly factor 3; minus strand), DNAAF3-AS1 (DNAAF3 antisense RNA 1; plus strand). Cytogenetic location: 19q13.42.
Variant type: single nucleotide variant.
Coding change: c.1087C>A on transcript NM_001256715.2 (MANE Select); coding-DNA position 1087, C replaced by A.
Protein change: p.Pro363Thr; replaces proline 363 with threonine.
Molecular consequence: missense variant.
Genome position (GRCh38, 1-based): chr19:55,159,975, G>T on the plus strand (C>A on the coding strand, the complement: DNAAF3 is on the minus strand). VCF-style: chr19-55159975-G-T. GRCh37 (hg19) VCF-style: chr19-55671343-G-T.
Other names: c.1288C>A, p.Pro430Thr (NM_001256714.1); c.925C>A, p.Pro309Thr (NM_001256716.2); c.1228C>A, p.Pro410Thr (NM_178837.4); short protein forms P309T, P363T, P410T, P430T.
Identifiers: ClinVar variation 4532627 (VCV004532627.1).